The following is an entry in ClinVar:

ClinVar aggregate classification (germline): Uncertain significance (1 of 4 stars; one submission).

Submission:

GeneDx
Classification: Uncertain significance. Last evaluated: 2022-10-31. Review status: criteria provided, single submitter. Criteria: GeneDx Variant Classification Process June 2021. Collection method: clinical testing. Allele origin: germline. Affected: yes.
Comment: Frameshift variant predicted to result in protein truncation or nonsense mediated decay in a gene or region of a gene for which loss of function is not a well-established mechanism of disease; Not observed at significant frequency in large population cohorts (gnomAD); Has not been previously published as pathogenic or benign to our knowledge

NM_003036.4(SKI):c.686dup (p.Leu231fs)

Gene: SKI (SKI proto-oncogene; plus strand). Cytogenetic location: 1p36.33.
Variant type: Duplication.
Coding change: c.686dup on transcript NM_003036.4 (MANE Select); coding-DNA position 686, one base duplicated (A; older notation c.686dupA).
Protein change: p.Leu231fs; shifts the reading frame from leucine 231.
Molecular consequence: frameshift variant.
Genome position (GRCh38, 1-based): chr1:2,229,452, A duplicated; the last of 2 consecutive A bases (chr1:2,229,451-2,229,452); duplicating either gives the same sequence. VCF-style (leftmost placement, unchanged base first): chr1-2229450-T-TA. GRCh37 (hg19) VCF-style: chr1-2160889-T-TA.
Other names: short protein forms L231fs.
Identifiers: ClinVar variation 2500363 (VCV002500363.1), dbSNP rs2527579026, ClinGen allele CA2580061430.
Genomic context (GRCh38, chr1:2,229,450, plus strand): 5'-GCTGGGCCTGGAGCTCAGCGAGCGCAGCGTCCGCGTGTACCACGAGTGCTTCGGCAAGTG[T>TA]AAGGGGCTGCTGGTGCCCGAGCTCTACAGCAGCCCGAGCGCCGCCTGCATCCAGTGCCTG-3'